The following is an entry in ClinVar:

ClinVar aggregate classification (germline): Uncertain significance (1 of 4 stars; one submission).

Conditions:
Tuberous sclerosis 1 (TSC1). Identifiers: Orphanet 805, MedGen C1854465, MONDO:0008612, OMIM 191100.

Submission:

Labcorp Genetics (formerly Invitae), Labcorp
Classification: Uncertain significance for Tuberous sclerosis 1. Last evaluated: 2025-03-16. Review status: criteria provided, single submitter. Criteria: Invitae Variant Classification Sherloc (09022015). Collection method: clinical testing. Allele origin: germline.
Comment: This sequence change replaces glutamic acid, which is acidic and polar, with aspartic acid, which is acidic and polar, at codon 637 of the TSC1 protein (p.Glu637Asp). This variant is not present in population databases (gnomAD no frequency). This variant has not been reported in the literature in individuals affected with TSC1-related conditions. ClinVar contains an entry for this variant (Variation ID: 1041493). Invitae Evidence Modeling of protein sequence and biophysical properties (such as structural, functional, and spatial information, amino acid conservation, physicochemical variation, residue mobility, and thermodynamic stability) indicates that this missense variant is not expected to disrupt TSC1 protein function with a negative predictive value of 95%. In summary, the available evidence is currently insufficient to determine the role of this variant in disease. Therefore, it has been classified as a Variant of Uncertain Significance.

NM_000368.5(TSC1):c.1911A>C (p.Glu637Asp)

Gene: TSC1 (TSC complex subunit 1; minus strand). Cytogenetic location: 9q34.13.
Variant type: single nucleotide variant.
Coding change: c.1911A>C on transcript NM_000368.5 (MANE Select); coding-DNA position 1911, A replaced by C.
Protein change: p.Glu637Asp; replaces glutamic acid 637 with aspartic acid.
Molecular consequence: missense variant.
Genome position (GRCh38, 1-based): chr9:132,905,667, T>G on the plus strand (A>C on the coding strand, the complement: TSC1 is on the minus strand). VCF-style: chr9-132905667-T-G. GRCh37 (hg19) VCF-style: chr9-135781054-T-G.
Other names: c.1908A>C, p.Glu636Asp (NM_001162426.2); c.1758A>C, p.Glu586Asp (NM_001162427.2); c.1548A>C, p.Glu516Asp (NM_001362177.2); short protein forms E516D, E586D, E636D, E637D.
Identifiers: ClinVar variation 1041493 (VCV001041493.8), dbSNP rs1845611837, ClinGen allele CA375362734.